The following is an entry in ClinVar:

NM_001039348.3(EFEMP1):c.*668C>T

Gene: EFEMP1 (EGF-like fibulin extracellular matrix protein 1; minus strand). Cytogenetic location: 2p16.1.
Variant type: single nucleotide variant.
Coding change: c.*668C>T on transcript NM_001039348.3 (MANE Select); 668 bases downstream of the stop codon, C replaced by T.
Molecular consequence: 3 prime UTR variant.
Genome position (GRCh38, 1-based): chr2:55,866,405, G>A on the plus strand (C>T on the coding strand, the complement: EFEMP1 is on the minus strand). VCF-style: chr2-55866405-G-A. GRCh37 (hg19) VCF-style: chr2-56093540-G-A.
Other names: c.*668C>T (NM_001039349.3).
Identifiers: ClinVar variation 336614 (VCV000336614.5), dbSNP rs573892776, ClinGen allele CA10614169.
Genomic context (GRCh38, chr2:55,866,405, plus strand): 5'-GAAGGAATTTATTTTCTCATATCCTCCCCATAGATTTCTCAATAGTATAATTTTCTAGGG[G>A]ATATCTGGTTCATTTTGGGAATTCTGGAAAATTTTGCTTACTGTTTTTTACAAAATATTC-3'

ClinVar aggregate classification (germline): Benign (1 of 4 stars; one submission).

Conditions:
Doyne honeycomb retinal dystrophy (DHRD). Also called: DOYNE HONEYCOMB DEGENERATION OF RETINA; MALATTIA LEVENTINESE; DRUSEN, RADIAL, AUTOSOMAL DOMINANT. Identifiers: Orphanet 75376, MedGen C1832174, MONDO:0007471, OMIM 126600.

Allele frequency attached by ClinVar (database versions not stated): gnomAD 0.00001 and 0.00028; TOPMed 0.00005; 1000 Genomes Project 0.00260; 1000 Genomes Project 30x 0.00297.

Submission:

Illumina Laboratory Services, Illumina
Classification: Benign for Doyne honeycomb retinal dystrophy. Last evaluated: 2018-01-13. Review status: criteria provided, single submitter. Criteria: ICSL Variant Classification Criteria 13 December 2019. Collection method: clinical testing. Allele origin: germline.
Comment: This variant was observed in the ICSL laboratory as part of a predisposition screen in an ostensibly healthy population. It had not been previously curated by ICSL or reported in the Human Gene Mutation Database (HGMD: prior to June 1st, 2018), and was therefore a candidate for classification through an automated scoring system. Utilizing variant allele frequency, disease prevalence and penetrance estimates, and inheritance mode, an automated score was calculated to assess if this variant is too frequent to cause the disease. Based on the score and internal cut-off values, a variant classified as benign is not then subjected to further curation. The score for this variant resulted in a classification of benign for this disease.